The following is an entry in ClinVar:

ClinVar aggregate classification (germline): Uncertain significance (1 of 4 stars; one submission).

gnomAD v4.1: 1 of 1,613,148 alleles (0.000062%); no homozygotes.

Submission:

Women's Health and Genetics/Laboratory Corporation of America, LabCorp
Classification: Uncertain significance. Last evaluated: 2025-01-13. Review status: criteria provided, single submitter. Criteria: LabCorp Variant Classification Summary - May 2015. Collection method: clinical testing. Allele origin: germline.
Comment: Variant summary: VWF c.7548+5G>A alters a nucleotide located close to a canonical splice site and therefore could affect mRNA splicing, leading to a significantly altered protein sequence. Several computational tools predict a significant impact on normal splicing: Two predict the variant abolishes a 5' splicing donor site. However, these predictions have yet to be confirmed by functional studies. The variant was absent in 250946 control chromosomes. The available data on variant occurrences in the general population are insufficient to allow any conclusion about variant significance. To our knowledge, no occurrence of c.7548+5G>A in individuals affected with Von Willebrand Disease and no experimental evidence demonstrating its impact on protein function have been reported. No submitters have cited clinical-significance assessments for this variant to ClinVar. Based on the evidence outlined above, the variant was classified as uncertain significance.

NM_000552.5(VWF):c.7548+5G>A

Gene: VWF (von Willebrand factor; minus strand). Cytogenetic location: 12p13.31.
Variant type: single nucleotide variant.
Coding change: c.7548+5G>A on transcript NM_000552.5 (MANE Select); 5 bases into the intron after coding-DNA position 7548, G replaced by A.
Molecular consequence: intron variant.
Genome position (GRCh38, 1-based): chr12:5,971,594, C>T on the plus strand (G>A on the coding strand, the complement: VWF is on the minus strand). VCF-style: chr12-5971594-C-T. GRCh37 (hg19) VCF-style: chr12-6080760-C-T.
Identifiers: ClinVar variation 3769156 (VCV003769156.2).